The following is an entry in ClinVar:

NM_003105.6(SORL1):c.5322+5T>C

Gene: SORL1 (sortilin related receptor 1; plus strand). Cytogenetic location: 11q24.1.
Variant type: single nucleotide variant.
Coding change: c.5322+5T>C on transcript NM_003105.6 (MANE Select); 5 bases into the intron after coding-DNA position 5322, T replaced by C.
Molecular consequence: intron variant.
Genome position (GRCh38, 1-based): chr11:121,611,163, T>C. VCF-style: chr11-121611163-T-C. GRCh37 (hg19) VCF-style: chr11-121481872-T-C.
Identifiers: ClinVar variation 1432822 (VCV001432822.6), dbSNP rs745730720, ClinGen allele CA6329901.

ClinVar aggregate classification (germline): Uncertain significance (1 of 4 stars; one submission).

Allele frequency attached by ClinVar (database versions not stated): gnomAD exomes below 0.00001 and 0.00001; ExAC 0.00002; TOPMed 0.00005; gnomAD 0.00007 and 0.00009.
gnomAD v4.1: 21 of 1,596,490 alleles (0.0013%); highest among the groups gnomAD compares: African/African-American, 0.0067%; no homozygotes.

Submission:

Labcorp Genetics (formerly Invitae), Labcorp
Classification: Uncertain significance. Last evaluated: 2021-05-18. Review status: criteria provided, single submitter. Criteria: Invitae Variant Classification Sherloc (09022015). Collection method: clinical testing. Allele origin: germline.
Comment: Nucleotide substitutions within the consensus splice site are a relatively common cause of aberrant splicing (PMID: 17576681, 9536098). Algorithms developed to predict the effect of sequence changes on RNA splicing suggest that this variant is not likely to affect RNA splicing, but this prediction has not been confirmed by published transcriptional studies. This variant has not been reported in the literature in individuals with SORL1-related conditions. This variant is present in population databases (rs745730720, ExAC 0.004%). This sequence change falls in intron 39 of the SORL1 gene. It does not directly change the encoded amino acid sequence of the SORL1 protein. It affects a nucleotide within the consensus splice site of the intron. In summary, the available evidence is currently insufficient to determine the role of this variant in disease. Therefore, it has been classified as a Variant of Uncertain Significance.

Literature cited by the submitters: PubMed 17576681; PubMed 9536098.